The following is an entry in ClinVar:

NM_003001.5(SDHC):c.77+428T>G

Gene: SDHC (succinate dehydrogenase complex subunit C; plus strand). Cytogenetic location: 1q23.3.
Variant type: single nucleotide variant.
Coding change: c.77+428T>G on transcript NM_003001.5 (MANE Select); 428 bases into the intron after coding-DNA position 77, T replaced by G.
Molecular consequence: intron variant.
Genome position (GRCh38, 1-based): chr1:161,324,098, T>G. VCF-style: chr1-161324098-T-G. GRCh37 (hg19) VCF-style: chr1-161293888-T-G.
Other names: c.-35+428T>G (NM_001407119.1); c.-153+428T>G (NM_001407120.1); c.77+428T>G (NM_001407115.1, NM_001035511.3, NM_001035512.3 and 2 more transcripts); c.21-4298T>G (NM_001407116.1, NM_001407121.1, NM_001407117.1); c.20+9673T>G (NM_001035513.3).
Identifiers: ClinVar variation 679697 (VCV000679697.2), dbSNP rs16832826, ClinGen allele CA10816709.

ClinVar aggregate classification (germline): Benign (1 of 4 stars; one submission).

Allele frequency attached by ClinVar (database versions not stated): TOPMed 0.11473; gnomAD 0.11537 and 0.11791; 1000 Genomes Project 0.16953; 1000 Genomes Project 30x 0.17036.
gnomAD v4.1: 17,822 of 152,168 alleles (12%); highest among the groups gnomAD compares: African/African-American, 22%; 1,414 homozygotes.

Submission:

GeneDx
Classification: Benign. Last evaluated: 2018-06-14. Review status: criteria provided, single submitter. Criteria: GeneDx Variant Classification (06012015). Collection method: clinical testing. Allele origin: germline. Affected: yes.
Comment: This variant is considered likely benign or benign based on one or more of the following criteria: it is a conservative change, it occurs at a poorly conserved position in the protein, it is predicted to be benign by multiple in silico algorithms, and/or has population frequency not consistent with disease.